The following is an entry in ClinVar:

NM_001267550.2(TTN):c.102586G>A (p.Val34196Ile)

Genes: TTN-AS1 (TTN antisense RNA 1; plus strand), TTN (titin; minus strand). Cytogenetic location: 2q31.2.
Variant type: single nucleotide variant.
Coding change: c.102586G>A on transcript NM_001267550.2 (MANE Select); coding-DNA position 102586, G replaced by A.
Protein change: p.Val34196Ile; replaces valine 34196 with isoleucine.
Molecular consequence: missense variant.
Genome position (GRCh38, 1-based): chr2:178,534,029, C>T on the plus strand (G>A on the coding strand, the complement: TTN is on the minus strand). VCF-style: chr2-178534029-C-T. GRCh37 (hg19) VCF-style: chr2-179398756-C-T.
Other names: c.97663G>A, p.Val32555Ile (NM_001256850.1); c.75391G>A, p.Val25131Ile (NM_003319.4); c.94882G>A, p.Val31628Ile (NM_133378.4); c.75766G>A, p.Val25256Ile (NM_133432.3); c.75967G>A, p.Val25323Ile (NM_133437.4); short protein forms V34196I, V32555I, V25323I, V25256I, V25131I, V31628I.
Identifiers: ClinVar variation 580548 (VCV000580548.10), dbSNP rs1185169765, ClinGen allele CA349417208.

ClinVar aggregate classification (germline): Uncertain significance. Review status: criteria provided, multiple submitters, no conflicts (2 of 4 stars). 2 submissions from 2 submitters: Uncertain significance (2). Last evaluated 2023-10-08.

Conditions:
Cardiomyopathy (CMYO). Also called: Cardiomyopathies. Identifiers: Orphanet 167848, MedGen C0878544, MONDO:0004994, HP:0001638. Inheritance: Various modes of inheritance.
Dilated cardiomyopathy 1G (CMD1G). Identifiers: Orphanet 154, MedGen C1858763, MONDO:0011400, OMIM 604145.
Autosomal recessive limb-girdle muscular dystrophy type 2J (LGMDR10). Also called: Limb-girdle muscular dystrophy, type 2J; MUSCULAR DYSTROPHY, LIMB-GIRDLE, AUTOSOMAL RECESSIVE 10. Identifiers: Orphanet 140922, MedGen C1837342, MONDO:0012127, OMIM 608807.

Allele frequency attached by ClinVar (database versions not stated): gnomAD exomes below 0.00001; TOPMed below 0.00001; gnomAD 0.00001.
gnomAD v4.1: 4 of 1,613,838 alleles (0.00025%); highest among the groups gnomAD compares: African/African-American, 0.0013%; no homozygotes.

Submissions (2):

Labcorp Genetics (formerly Invitae), Labcorp
Classification: Uncertain significance for Dilated cardiomyopathy 1G; Autosomal recessive limb-girdle muscular dystrophy type 2J. Last evaluated: 2023-10-08. Review status: criteria provided, single submitter. Criteria: Invitae Variant Classification Sherloc (09022015). Collection method: clinical testing. Allele origin: germline.
Comment: This sequence change replaces valine, which is neutral and non-polar, with isoleucine, which is neutral and non-polar, at codon 34196 of the TTN protein (p.Val34196Ile). This variant is not present in population databases (gnomAD no frequency). This variant has not been reported in the literature in individuals affected with TTN-related conditions. ClinVar contains an entry for this variant (Variation ID: 580548). Algorithms developed to predict the effect of missense changes on protein structure and function output the following: SIFT: "Not Available"; PolyPhen-2: "Not Available"; Align-GVGD: "Not Available". The isoleucine amino acid residue is found in multiple mammalian species, which suggests that this missense change does not adversely affect protein function. This variant is located in the M band of TTN (PMID: 25589632). Variants in this region may be relevant for neuromuscular disorders, but have not been definitively shown to cause cardiomyopathy (PMID: 23975875). In summary, the available evidence is currently insufficient to determine the role of this variant in disease. Therefore, it has been classified as a Variant of Uncertain Significance.

CHEO Genetics Diagnostic Laboratory, Children's Hospital of Eastern Ontario
Classification: Uncertain significance for Cardiomyopathy. Last evaluated: 2017-10-23. Review status: criteria provided, single submitter. Criteria: ACMG Guidelines, 2015. Collection method: clinical testing. Allele origin: germline. Study: Canadian Open Genetics Repository.

Literature cited by the submitters: PubMed 25589632 (cited by Labcorp Genetics (formerly Invitae), Labcorp); PubMed 23975875 (cited by Labcorp Genetics (formerly Invitae), Labcorp).